The following is an entry in ClinVar:

NM_000059.4(BRCA2):c.5130_5133del (p.Asp1709_Tyr1710insTer)

Gene: BRCA2 (BRCA2 DNA repair associated; plus strand). Cytogenetic location: 13q13.1.
Variant type: Deletion.
Coding change: c.5130_5133del on transcript NM_000059.4 (MANE Select); coding-DNA positions 5130 to 5133, 4 bases deleted (TGTA; older notation c.5130_5133delTGTA).
Protein change: p.Asp1709_Tyr1710insTer.
Molecular consequence: nonsense.
Genome position (GRCh38, 1-based): chr13:32,339,485-32,339,488, TGTA deleted; deleting any 4 consecutive bases within chr13:32,339,483-32,339,488 gives the same sequence; the c. name uses the placement nearest the transcript's 3' end. VCF-style (leftmost placement, unchanged base first): chr13-32339482-TTATG-T. GRCh37 (hg19) VCF-style: chr13-32913619-TTATG-T.
Other names: 5357del4; 5358_5361del4; 5358del4; c.5130_5133delTGTA (NM_000059.3).
Identifiers: ClinVar variation 51775 (VCV000051775.66), dbSNP rs80359484, ClinGen allele CA021343.

ClinVar aggregate classification (germline): Pathogenic. Review status: reviewed by expert panel (3 of 4 stars). 32 submissions from 30 submitters: Pathogenic (1). 31 of the submissions do not count toward it. Last evaluated 2016-04-22.

Conditions:
Inherited breast cancer and ovarian cancer.
Inherited ovarian cancer (without breast cancer).
BRCA2-related cancer predisposition. Identifiers: MedGen CN377758, MONDO:0700269.
Pancreatic cancer, susceptibility to, 2. Identifiers: Orphanet 1333, MedGen C3150546, MONDO:0013235, OMIM 613347.
Glioma susceptibility 3 (GLM3). Also called: Glioblastoma 3. Identifiers: Orphanet 182067, Orphanet 360, MedGen C2751641, MONDO:0013093, OMIM 613029.
Familial prostate cancer. Also called: Hereditary Prostate Cancer. Identifiers: MedGen C2931456, MONDO:0700275, OMIM 176807.
Breast-ovarian cancer, familial, susceptibility to, 2 (BROVCA2). Also called: BRCA2 Hereditary Breast and Ovarian Cancer. Identifiers: Orphanet 145, MedGen C2675520, MONDO:0012933, OMIM 612555. Disease mechanism: loss of function.
Fanconi anemia complementation group D1. Also called: BRCA2-Related Fanconi Anemia. Identifiers: Orphanet 319462, MedGen C1838457, MONDO:0011584, OMIM 605724.
Medulloblastoma (MDB). Also called: Medulloblastoma, somatic; MEDULLOBLASTOMA PREDISPOSITION SYNDROME. Identifiers: Orphanet 616, MedGen C0025149, MeSH D008527, MONDO:0007959, OMIM 155255, HP:0002885.
Wilms tumor 1 (WT1). Also called: Wilms tumor, somatic. Identifiers: Orphanet 654, MedGen CN033288, MONDO:0008679, OMIM 194070.
Familial cancer of breast. Also called: BREAST CANCER, FAMILIAL; hereditary breast carcinoma; Hereditary breast cancer. Identifiers: Orphanet 227535, MedGen C0346153, MONDO:0016419, OMIM 114480. Disease mechanism: loss of function.
BRCA2-related disorder. Also called: BRCA2-related condition; BRCA2-related disorders. Identifiers: MedGen CN239275.
Gastric cancer. Also called: Malignant tumor of stomach; Stomach cancer. Identifiers: MedGen C0024623, MeSH D013274, MONDO:0001056, OMIM 613659, HP:0012126.
Hereditary cancer-predisposing syndrome. Also called: Neoplastic Syndromes, Hereditary; Tumor predisposition; Hereditary Cancer Syndrome; Hereditary neoplastic syndrome. Identifiers: Orphanet 140162, MedGen C0027672, MeSH D009386, MONDO:0015356.
Hereditary breast ovarian cancer syndrome. Also called: Breast and ovarian cancer; Hereditary breast and ovarian cancer; Hereditary breast and ovarian cancer syndrome (HBOC); Hereditary breast and ovarian cancer syndrome; BRCA1- and BRCA2-Associated Hereditary Breast and Ovarian Cancer; Hereditary breast and/or ovarian cancer syndrome. Identifiers: Orphanet 145, MedGen C0677776, MeSH D061325, MONDO:0003582. Disease mechanism: loss of function.
Breast-ovarian cancer, familial, susceptibility to, 1 (BROVCA1). Also called: BRCA1 Hereditary Breast and Ovarian Cancer; OVARIAN CANCER, SUSCEPTIBILITY TO. Identifiers: Orphanet 145, MedGen C2676676, MONDO:0011450, OMIM 604370. Disease mechanism: loss of function.

Submissions 1 to 11 of 32:

Evidence-based Network for the Interpretation of Germline Mutant Alleles (ENIGMA)
Classification: Pathogenic for Breast-ovarian cancer, familial, susceptibility to, 2. Last evaluated: 2016-04-22. Review status: reviewed by expert panel. Criteria: ENIGMA BRCA1/2 Classification Criteria (2015). Collection method: curation. Allele origin: germline.
Comment: Variant allele predicted to encode a truncated non-functional protein.

Genetics Laboratory, Great Ormond Street Hospital NHS Foundation Trust, North Thames Genomic Laboratory Hub
Classification: Pathogenic for Inherited breast cancer and ovarian cancer. Last evaluated: 2026-08-13. Review status: criteria provided, single submitter. Criteria: CanVIG BRCA Gene Specific V1.22. Collection method: clinical testing. Allele origin: germline. Affected: yes. Not counted in ClinVar's aggregate classification.
Comment: PS4_supporting, PM2_supporting, PVS1_very-strong, PM5_strong

Genetics Laboratory, Great Ormond Street Hospital NHS Foundation Trust, North Thames Genomic Laboratory Hub
Classification: Pathogenic for Inherited ovarian cancer (without breast cancer). Last evaluated: 2026-08-13. Review status: criteria provided, single submitter. Criteria: CanVIG BRCA Gene Specific V1.22. Collection method: clinical testing. Allele origin: germline. Affected: yes. Not counted in ClinVar's aggregate classification.
Comment: the same text as in the submission from Genetics Laboratory, Great Ormond Street Hospital NHS Foundation Trust, North Thames Genomic Laboratory Hub above.

Labcorp Genetics (formerly Invitae), Labcorp
Classification: Pathogenic for Hereditary breast ovarian cancer syndrome. Last evaluated: 2026-01-31. Review status: criteria provided, single submitter. Criteria: Invitae Variant Classification Sherloc (09022015). Collection method: clinical testing. Allele origin: germline. Not counted in ClinVar's aggregate classification.
Comment: This sequence change creates a premature translational stop signal (p.Tyr1710*) in the BRCA2 gene. It is expected to result in an absent or disrupted protein product. Loss-of-function variants in BRCA2 are known to be pathogenic (PMID: 20104584). This variant is present in population databases (rs760558178, gnomAD 0.007%). This premature translational stop signal has been observed in individual(s) with breast cancer (PMID: 9012404, 19656415, 23479189, 25682074, 26586665, 26845104). This variant is also known as 5358del4 and p.Tyr1693X. ClinVar contains an entry for this variant (Variation ID: 51775). For these reasons, this variant has been classified as Pathogenic.

Center for Genomic Medicine, Rigshospitalet, Copenhagen University Hospital
Classification: Pathogenic. Last evaluated: 2025-12-29. Review status: criteria provided, single submitter. Criteria: ACMG Guidelines, 2015. Collection method: clinical testing. Allele origin: germline. Not counted in ClinVar's aggregate classification.
Comment: Classification criteria: PVS1, PM5_strong

CeGaT Center for Human Genetics Tuebingen
Classification: Pathogenic. Last evaluated: 2025-12-01. Review status: criteria provided, single submitter. Criteria: CeGaT Center For Human Genetics Tuebingen Variant Classification Criteria Version 2. Collection method: clinical testing. Allele origin: germline. Affected: yes. Observed: 1 variant allele. Not counted in ClinVar's aggregate classification.
Comment: BRCA2: PVS1, PS4:Moderate, PM2:Supporting

Cambridge Genomics Laboratory, East Genomic Laboratory Hub, NHS Genomic Medicine Service
Classification: Pathogenic for Inherited breast cancer and ovarian cancer. Last evaluated: 2025-11-13. Review status: criteria provided, single submitter. Criteria: ACGS Best Practice Guidelines for Variant Classification in Rare Disease 2020. Collection method: clinical testing. Allele origin: germline. Affected: yes. Not counted in ClinVar's aggregate classification.
Comment: PVS1,PM5_Strong

Cambridge Genomics Laboratory, East Genomic Laboratory Hub, NHS Genomic Medicine Service
Classification: Pathogenic for Inherited ovarian cancer (without breast cancer). Last evaluated: 2025-10-28. Review status: criteria provided, single submitter. Criteria: ACGS Best Practice Guidelines for Variant Classification in Rare Disease 2020. Collection method: clinical testing. Allele origin: germline. Affected: yes. Not counted in ClinVar's aggregate classification.
Comment: PVS1,PS4_Very Strong,PM5_Strong

Greenwood Genetic Center Diagnostic Laboratories, Greenwood Genetic Center
Classification: Pathogenic for BRCA2-related disorder. Last evaluated: 2025-10-23. Review status: criteria provided, single submitter. Criteria: ACMG Guidelines, 2015. Collection method: clinical testing. Allele origin: germline. Not counted in ClinVar's aggregate classification.
Comment: PVS1, PS4, PM2

Helix
Classification: Pathogenic for Breast-ovarian cancer, familial, susceptibility to, 2. Last evaluated: 2025-05-20. Review status: criteria provided, single submitter. Criteria: ACMG Guidelines, 2015. Collection method: clinical testing. Allele origin: germline. Inheritance: Autosomal dominant inheritance. Not counted in ClinVar's aggregate classification.
Comment: This variant (NM_000059.4:c.5130_5133del p.Tyr1710Ter) results in the creation of a premature stop codon in the BRCA2 gene. It is predicted to result in nonsense-mediated mRNA decay or in the production of a truncated protein, leading to loss-of-function (LOF). LOF variants in this gene are known to be deleterious (PMID: 20104584, 20301575). This variant is also known as 5358del4, p.Y1710*, and p.Tyr1693X. It is a rare variant that is absent from the non-cancer cohort of the large gnomAD population database (PMID: 32461654). This variant has been observed in individual(s) with BRCA2-related cancers (PMID: 9012404, 30322717, 32980694, 38355628). This variant is present in ClinVar (Accession: VCV000051775.53). In conclusion, this variant has been classified as Pathogenic.

All of Us Research Program, National Institutes of Health
Classification: Pathogenic for BRCA2-related cancer predisposition. Last evaluated: 2024-07-29. Review status: criteria provided, single submitter. Criteria: ACMG Guidelines, 2015. Collection method: clinical testing. Allele origin: germline. Inheritance: Autosomal dominant inheritance. Observed: 3 variant alleles, 3 heterozygotes. Not counted in ClinVar's aggregate classification.
Comment: This variant deletes 4 nucleotides in exon 11 of the BRCA2 gene, creating a frameshift and premature translation stop signal. This variant is also known as c.5129_5132delATGT, 5358delTGTA and 5357del4 in the literature. This variant is expected to result in an absent or non-functional protein product. This variant has been reported in at least 15 individuals affected with breast and/or ovarian cancer (PMID: 9012404, 17688236, 19656415, 21720365, 22034289, 23479189, 24249303, 25682074, 26845104, 28008555, 28294317, 33471991; Leiden Open Variation Database DB-ID BRCA2_001903). This variant has been identified in 1/226864 chromosomes in the general population by the Genome Aggregation Database (gnomAD). Loss of BRCA2 function is a known mechanism of disease. Based on the available evidence, this variant is classified as Pathogenic.

This study involves interpretation of variants in research participants for the purpose of population health screening. Participant phenotype was not available at the time of variant classification. Additional details can be found in publication PMID: 35346344, PMCID: PMC8962531